The following is an entry in ClinVar:

ClinVar aggregate classification (germline): Uncertain significance (1 of 4 stars; one submission).

Submission:

GeneDx
Classification: Uncertain significance. Last evaluated: 2023-03-10. Review status: criteria provided, single submitter. Criteria: GeneDx Variant Classification Process June 2021. Collection method: clinical testing. Allele origin: germline. Affected: yes.
Comment: Not observed at significant frequency in large population cohorts (gnomAD); In silico analysis supports that this missense variant has a deleterious effect on protein structure/function; Has not been previously published as pathogenic or benign to our knowledge

NM_001039591.3(USP9X):c.3041A>C (p.His1014Pro)

Gene: USP9X (ubiquitin specific peptidase 9 X-linked; plus strand). Cytogenetic location: Xp11.4.
Variant type: single nucleotide variant.
Coding change: c.3041A>C on transcript NM_001039591.3 (MANE Select); coding-DNA position 3041, A replaced by C.
Protein change: p.His1014Pro; replaces histidine 1014 with proline.
Molecular consequence: missense variant.
Genome position (GRCh38, 1-based): chrX:41,171,851, A>C. VCF-style: chrX-41171851-A-C. GRCh37 (hg19) VCF-style: chrX-41031104-A-C.
Other names: c.3041A>C, p.His1014Pro (NM_001039590.3); c.3056A>C, p.His1019Pro (NM_001410748.1, NM_001410749.1); short protein forms H1014P, H1019P.
Identifiers: ClinVar variation 2579354 (VCV002579354.1), dbSNP rs2519231789, ClinGen allele CA412760896.